The following is an entry in ClinVar:

NM_015214.3(DDHD2):c.725G>A (p.Arg242His)

Gene: DDHD2 (DDHD domain containing 2; plus strand). Cytogenetic location: 8p11.23.
Variant type: single nucleotide variant.
Coding change: c.725G>A on transcript NM_015214.3 (MANE Select); coding-DNA position 725, G replaced by A.
Protein change: p.Arg242His; replaces arginine 242 with histidine.
Molecular consequence: missense variant. On other transcripts: non-coding transcript variant (2).
Genome position (GRCh38, 1-based): chr8:38,242,262, G>A. VCF-style: chr8-38242262-G-A. GRCh37 (hg19) VCF-style: chr8-38099780-G-A.
Other names: c.725G>A, p.Arg242His (NM_001164232.2, NM_001362911.2, NM_001362912.2 and 1 more transcripts); c.635G>A, p.Arg212His (NM_001362913.2); short protein forms R242H, R212H.
Identifiers: ClinVar variation 540290 (VCV000540290.8), dbSNP rs767497993, ClinGen allele CA4716073.
Genomic context (GRCh38, chr8:38,242,262, plus strand): 5'-CAGATTTGTTACTTCATTGTTGATGCATAAGTTAATTTTCTTTTCCAGTTAATGATTTTC[G>A]CAGTGTTTCCTTGAACTTGCTACAGACACATTTTAAGAAAGCCCAAGAAAATCAGCAGAT-3'
Protein context (NP_056029.2, residues 232-252): RSIVQCVNDF[Arg242His]SVSLNLLQTH

ClinVar aggregate classification (germline): Conflicting classifications of pathogenicity. Review status: criteria provided, conflicting classifications (1 of 4 stars). 4 submissions from 4 submitters: Pathogenic (1); Uncertain significance (3). Last evaluated 2024-08-26.

Conditions:
Inborn genetic diseases. Identifiers: MedGen C0950123, MeSH D030342.
Hereditary spastic paraplegia 54. Also called: Spastic paraplegia 54, autosomal recessive. Identifiers: Orphanet 320380, MedGen C3539495, MONDO:0014018, OMIM 615033.

Allele frequency attached by ClinVar (database versions not stated): ExAC 0.00001; gnomAD exomes 0.00001; gnomAD 0.00002 and 0.00003; TOPMed 0.00002.
gnomAD v4.1: 48 of 1,585,198 alleles (0.003%); highest among the groups gnomAD compares: Admixed American, 0.004%; no homozygotes.

Submissions (4):

Ambry Genetics
Classification: Uncertain significance for Inborn genetic diseases. Last evaluated: 2024-08-26. Review status: criteria provided, single submitter. Criteria: Ambry Variant Classification Scheme 2023. Collection method: clinical testing. Allele origin: germline.
Comment: The c.725G>A (p.R242H) alteration is located in exon 7 (coding exon 6) of the DDHD2 gene. This alteration results from a G to A substitution at nucleotide position 725, causing the arginine (R) at amino acid position 242 to be replaced by a histidine (H). Based on data from gnomAD, the A allele has an overall frequency of 0.001% (2/225626) total alleles studied. The highest observed frequency was 0.002% (2/107380) of European (non-Finnish) alleles. This amino acid position is highly conserved in available vertebrate species. This alteration is predicted to be deleterious by in silico analysis. Based on insufficient or conflicting evidence, the clinical significance of this alteration remains unclear.

Blueprint Genetics
Classification: Uncertain significance. Last evaluated: 2023-08-18. Review status: criteria provided, single submitter. Criteria: ACMG Guidelines, 2015. Collection method: clinical testing. Allele origin: germline.

Labcorp Genetics (formerly Invitae), Labcorp
Classification: Uncertain significance for Hereditary spastic paraplegia 54. Last evaluated: 2022-05-14. Review status: criteria provided, single submitter. Criteria: Invitae Variant Classification Sherloc (09022015). Collection method: clinical testing. Allele origin: germline.
Comment: This sequence change replaces arginine, which is basic and polar, with histidine, which is basic and polar, at codon 242 of the DDHD2 protein (p.Arg242His). This variant is present in population databases (rs767497993, gnomAD 0.002%). This variant has not been reported in the literature in individuals affected with DDHD2-related conditions. ClinVar contains an entry for this variant (Variation ID: 540290). Algorithms developed to predict the effect of missense changes on protein structure and function are either unavailable or do not agree on the potential impact of this missense change (SIFT: "Deleterious"; PolyPhen-2: "Benign"; Align-GVGD: "Class C0"). Algorithms developed to predict the effect of sequence changes on RNA splicing suggest that this variant may create or strengthen a splice site. In summary, the available evidence is currently insufficient to determine the role of this variant in disease. Therefore, it has been classified as a Variant of Uncertain Significance.

Paris Brain Institute, Inserm - ICM
Classification: Pathogenic for Hereditary spastic paraplegia 54. Review status: criteria provided, single submitter. Criteria: ACMG Guidelines, 2015. Collection method: clinical testing. Allele origin: unknown. Affected: yes. Observed: 1 variant allele.